The following is an entry in ClinVar:

NM_001197104.2(KMT2A):c.4939C>G (p.Leu1647Val)

Gene: KMT2A (lysine methyltransferase 2A; plus strand). Cytogenetic location: 11q23.3.
Variant type: single nucleotide variant.
Coding change: c.4939C>G on transcript NM_001197104.2 (MANE Select); coding-DNA position 4939, C replaced by G.
Protein change: p.Leu1647Val; replaces leucine 1647 with valine.
Molecular consequence: missense variant.
Genome position (GRCh38, 1-based): chr11:118,491,863, C>G. VCF-style: chr11-118491863-C-G. GRCh37 (hg19) VCF-style: chr11-118362578-C-G.
Other names: c.5029C>G, p.Leu1677Val (NM_001412597.1); c.4930C>G, p.Leu1644Val (NM_005933.4); short protein forms L1644V, L1647V, L1677V.
Identifiers: ClinVar variation 2966982 (VCV002966982.1), dbSNP rs961012809, ClinGen allele CA229531590.

ClinVar aggregate classification (germline): Uncertain significance (1 of 4 stars; one submission).

Allele frequency attached by ClinVar (database versions not stated): TOPMed below 0.00001; gnomAD 0.00001; gnomAD exomes 0.00001.
gnomAD v4.1: 17 of 1,614,000 alleles (0.0011%); highest among the groups gnomAD compares: Non-Finnish European, 0.0014%; no homozygotes.

Submission:

Labcorp Genetics (formerly Invitae), Labcorp
Classification: Uncertain significance. Last evaluated: 2023-12-09. Review status: criteria provided, single submitter. Criteria: Invitae Variant Classification Sherloc (09022015). Collection method: clinical testing. Allele origin: germline.
Comment: This sequence change replaces leucine, which is neutral and non-polar, with valine, which is neutral and non-polar, at codon 1647 of the KMT2A protein (p.Leu1647Val). This variant is present in population databases (no rsID available, gnomAD 0.002%). This variant has not been reported in the literature in individuals affected with KMT2A-related conditions. Advanced modeling of protein sequence and biophysical properties (such as structural, functional, and spatial information, amino acid conservation, physicochemical variation, residue mobility, and thermodynamic stability) performed at Invitae indicates that this missense variant is not expected to disrupt KMT2A protein function with a negative predictive value of 95%. In summary, the available evidence is currently insufficient to determine the role of this variant in disease. Therefore, it has been classified as a Variant of Uncertain Significance.